The following is an entry in ClinVar:

NM_000051.4(ATM):c.5993G>T (p.Gly1998Val)

Genes: ATM (ATM serine/threonine kinase; plus strand), C11orf65 (chromosome 11 open reading frame 65; minus strand). Cytogenetic location: 11q22.3.
Variant type: single nucleotide variant.
Coding change: c.5993G>T on transcript NM_000051.4 (MANE Select); coding-DNA position 5993, G replaced by T.
Protein change: p.Gly1998Val; replaces glycine 1998 with valine.
Molecular consequence: missense variant. On other transcripts: intron variant (2).
Genome position (GRCh38, 1-based): chr11:108,312,485, G>T. VCF-style: chr11-108312485-G-T. GRCh37 (hg19) VCF-style: chr11-108183212-G-T.
Other names: c.5993G>T, p.Gly1998Val (NM_001351834.2); c.641-3414C>A (NM_001330368.2); c.*39-3414C>A (NM_001351110.2); short protein forms G1998V.
Identifiers: ClinVar variation 453608 (VCV000453608.13), dbSNP rs1188125296, ClinGen allele CA382548791.

ClinVar aggregate classification (germline): Uncertain significance. Review status: criteria provided, multiple submitters, no conflicts (2 of 4 stars). 3 submissions from 3 submitters: Uncertain significance (3). Last evaluated 2025-11-10.

Conditions:
Hereditary cancer-predisposing syndrome. Also called: Neoplastic Syndromes, Hereditary; Hereditary Cancer Syndrome; Tumor predisposition; Hereditary neoplastic syndrome. Identifiers: Orphanet 140162, MedGen C0027672, MeSH D009386, MONDO:0015356.
Ataxia-telangiectasia syndrome (AT). Also called: LOUIS-BAR SYNDROME; Cerebello-oculocutaneous telangiectasia; Immunodeficiency with ataxia telangiectasia; Ataxia-telangiectasia, complementation group D; AT, COMPLEMENTATION GROUP C; Ataxia-telangiectasia, complementation group E. Identifiers: Orphanet 100, MedGen C0004135, MONDO:0008840, OMIM 208900.
Familial cancer of breast. Also called: Hereditary breast cancer; BREAST CANCER, FAMILIAL; hereditary breast carcinoma. Identifiers: Orphanet 227535, MedGen C0346153, MONDO:0016419, OMIM 114480. Disease mechanism: loss of function.

Allele frequency attached by ClinVar (database versions not stated): gnomAD exomes 0.00001; gnomAD 0.00001; TOPMed below 0.00001.
gnomAD v4.1: 12 of 1,570,434 alleles (0.00076%); highest among the groups gnomAD compares: Non-Finnish European, 0.00096%; no homozygotes.

Submissions (3):

Labcorp Genetics (formerly Invitae), Labcorp
Classification: Uncertain significance for Ataxia-telangiectasia syndrome. Last evaluated: 2025-11-10. Review status: criteria provided, single submitter. Criteria: Invitae Variant Classification Sherloc (09022015). Collection method: clinical testing. Allele origin: germline.
Comment: This sequence change replaces glycine, which is neutral and non-polar, with valine, which is neutral and non-polar, at codon 1998 of the ATM protein (p.Gly1998Val). This variant is not present in population databases (gnomAD no frequency). This variant has not been reported in the literature in individuals affected with ATM-related conditions. ClinVar contains an entry for this variant (Variation ID: 453608). Invitae Evidence Modeling of protein sequence and biophysical properties (such as structural, functional, and spatial information, amino acid conservation, physicochemical variation, residue mobility, and thermodynamic stability) indicates that this missense variant is not expected to disrupt ATM protein function with a negative predictive value of 95%. RNA analysis performed to evaluate the impact of this missense change on mRNA splicing indicates it does not significantly alter splicing (internal data). In summary, the available evidence is currently insufficient to determine the role of this variant in disease. Therefore, it has been classified as a Variant of Uncertain Significance.

Ambry Genetics
Classification: Uncertain significance for Hereditary cancer-predisposing syndrome. Last evaluated: 2024-10-30. Review status: criteria provided, single submitter. Criteria: Ambry Variant Classification Scheme 2023. Collection method: clinical testing. Allele origin: germline.
Comment: The p.G1998V variant (also known as c.5993G>T), located in coding exon 39 of the ATM gene, results from a G to T substitution at nucleotide position 5993. The glycine at codon 1998 is replaced by valine, an amino acid with dissimilar properties. This amino acid position is well conserved in available vertebrate species. In addition, this alteration is predicted to be tolerated by in silico analysis. Based on the available evidence, the clinical significance of this variant remains unclear.

Baylor Genetics
Classification: Uncertain significance for Familial cancer of breast. Last evaluated: 2023-12-25. Review status: criteria provided, single submitter. Criteria: ACMG Guidelines, 2015. Collection method: clinical testing. Allele origin: unknown.